The following is an entry in ClinVar:

NM_001003699.4(RREB1):c.1014T>C (p.His338=)

Gene: RREB1 (ras responsive element binding protein 1; plus strand). Cytogenetic location: 6p24.3.
Variant type: single nucleotide variant.
Coding change: c.1014T>C on transcript NM_001003699.4 (MANE Select); coding-DNA position 1014, T replaced by C.
Protein change: p.His338=; no amino-acid change (histidine 338 retained).
Molecular consequence: synonymous variant.
Genome position (GRCh38, 1-based): chr6:7,229,113, T>C. VCF-style: chr6-7229113-T-C. GRCh37 (hg19) VCF-style: chr6-7229346-T-C.
Other names: c.1014T>C, p.His338= (NM_001003698.4, NM_001003700.2, NM_001168344.2).
Identifiers: ClinVar variation 3059547 (VCV003059547.3), dbSNP rs2714315, ClinGen allele CA3625436.

ClinVar aggregate classification (germline): Benign. Review status: criteria provided, single submitter (1 of 4 stars). 2 submissions from 2 submitters: Benign (1). 1 of the submissions does not count toward it. Last evaluated 2026-05-08.

Conditions:
RREB1-related disorder. Also called: RREB1-related condition.

Allele frequency attached by ClinVar (database versions not stated): gnomAD 0.41817; 1000 Genomes Project 0.40815; 1000 Genomes Project 30x 0.41287; TOPMed 0.41871; ESP Exome Variant Server 0.43749.
gnomAD v4.1: 529,228 of 1,606,414 alleles (33%); highest among the groups gnomAD compares: African/African-American, 71%; 94,885 homozygotes.

Submissions (2):

Women's Health and Genetics/Laboratory Corporation of America, LabCorp
Classification: Benign. Last evaluated: 2026-05-08. Review status: criteria provided, single submitter. Criteria: LabCorp Variant Classification Summary - May 2015. Collection method: clinical testing. Allele origin: germline.

PreventionGenetics, part of Exact Sciences
Classification: Benign for RREB1-related condition. Last evaluated: 2024-05-01. Review status: no assertion criteria provided. Collection method: clinical testing. Allele origin: germline. Not counted in ClinVar's aggregate classification.
Comment: This variant is classified as benign based on ACMG/AMP sequence variant interpretation guidelines (Richards et al. 2015 PMID: 25741868, with internal and published modifications).